The following is an entry in ClinVar:

ClinVar aggregate classification (germline): Uncertain significance (1 of 4 stars; one submission).

Allele frequency attached by ClinVar (database versions not stated): gnomAD exomes 0.00001; ExAC 0.00003; TOPMed 0.00003; gnomAD 0.00005.
gnomAD v4.1: 23 of 1,613,370 alleles (0.0014%); highest among the groups gnomAD compares: African/African-American, 0.011%; no homozygotes.

Submission:

Labcorp Genetics (formerly Invitae), Labcorp
Classification: Uncertain significance. Last evaluated: 2022-06-02. Review status: criteria provided, single submitter. Criteria: Invitae Variant Classification Sherloc (09022015). Collection method: clinical testing. Allele origin: germline.
Comment: This sequence change replaces serine, which is neutral and polar, with leucine, which is neutral and non-polar, at codon 2170 of the MYO18B protein (p.Ser2170Leu). This variant is present in population databases (rs770881865, gnomAD 0.01%). This variant has not been reported in the literature in individuals affected with MYO18B-related conditions. Algorithms developed to predict the effect of missense changes on protein structure and function are either unavailable or do not agree on the potential impact of this missense change (SIFT: "Not Available"; PolyPhen-2: "Benign"; Align-GVGD: "Not Available"). In summary, the available evidence is currently insufficient to determine the role of this variant in disease. Therefore, it has been classified as a Variant of Uncertain Significance.

NM_032608.7(MYO18B):c.6509C>T (p.Ser2170Leu)

Gene: MYO18B (myosin XVIIIB; plus strand). Cytogenetic location: 22q12.1.
Variant type: single nucleotide variant.
Coding change: c.6509C>T on transcript NM_032608.7 (MANE Select); coding-DNA position 6509, C replaced by T.
Protein change: p.Ser2170Leu; replaces serine 2170 with leucine.
Molecular consequence: missense variant.
Genome position (GRCh38, 1-based): chr22:26,026,483, C>T. VCF-style: chr22-26026483-C-T. GRCh37 (hg19) VCF-style: chr22-26422449-C-T.
Other names: c.6512C>T, p.Ser2171Leu (NM_001318245.2); short protein forms S2170L, S2171L.
Identifiers: ClinVar variation 2059412 (VCV002059412.1), dbSNP rs770881865, ClinGen allele CA10161554.